The following is an entry in ClinVar:

ClinVar aggregate classification (germline): Uncertain significance. Review status: criteria provided, multiple submitters, no conflicts (2 of 4 stars). 3 submissions from 3 submitters: Uncertain significance (3). Last evaluated 2024-04-10.

Conditions:
Glycogen storage disease, type II (IOPD). Also called: GLYCOGENOSIS, GENERALIZED, CARDIAC FORM; GSD II; Glycogen storage disease type 2; Acid maltase deficiency disease; Aglucosidase alfa; Deficiency of alpha-glucosidase. Identifiers: Orphanet 365, MedGen C0017921, MONDO:0009290, OMIM 232300.

Allele frequency attached by ClinVar (database versions not stated): gnomAD 0.00001.
gnomAD v4.1: 2 of 1,613,022 alleles (0.00012%); highest among the groups gnomAD compares: Non-Finnish European, 0.00017%; no homozygotes.

Submissions (3):

Labcorp Genetics (formerly Invitae), Labcorp
Classification: Uncertain significance for Glycogen storage disease, type II. Last evaluated: 2024-04-10. Review status: criteria provided, single submitter. Criteria: Invitae Variant Classification Sherloc (09022015). Collection method: clinical testing. Allele origin: germline.
Comment: This sequence change replaces phenylalanine, which is neutral and non-polar, with leucine, which is neutral and non-polar, at codon 241 of the GAA protein (p.Phe241Leu). This variant is present in population databases (no rsID available, gnomAD 0.007%). This variant has not been reported in the literature in individuals affected with GAA-related conditions. ClinVar contains an entry for this variant (Variation ID: 1025310). Advanced modeling of protein sequence and biophysical properties (such as structural, functional, and spatial information, amino acid conservation, physicochemical variation, residue mobility, and thermodynamic stability) has been performed at Invitae for this missense variant, however the output from this modeling did not meet the statistical confidence thresholds required to predict the impact of this variant on GAA protein function. In summary, the available evidence is currently insufficient to determine the role of this variant in disease. Therefore, it has been classified as a Variant of Uncertain Significance.

Genome-Nilou Lab
Classification: Uncertain significance for Glycogen storage disease, type II. Last evaluated: 2021-09-05. Review status: criteria provided, single submitter. Criteria: ACMG Guidelines, 2015. Collection method: clinical testing. Allele origin: germline. Affected: no.

GeneDx
Classification: Uncertain significance. Last evaluated: 2020-02-11. Review status: criteria provided, single submitter. Criteria: GeneDx Variant Classification Process June 2021. Collection method: clinical testing. Allele origin: germline. Affected: yes.
Comment: Not observed at a significant frequency in large population cohorts (Lek et al., 2016); In silico analysis supports that this missense variant has a deleterious effect on protein structure/function; Has not been previously published as pathogenic or benign to our knowledge

NM_000152.5(GAA):c.723T>G (p.Phe241Leu)

Gene: GAA (alpha glucosidase; plus strand). Cytogenetic location: 17q25.3.
Variant type: single nucleotide variant.
Coding change: c.723T>G on transcript NM_000152.5 (MANE Select); coding-DNA position 723, T replaced by G.
Protein change: p.Phe241Leu; replaces phenylalanine 241 with leucine.
Molecular consequence: missense variant.
Genome position (GRCh38, 1-based): chr17:80,107,587, T>G. VCF-style: chr17-80107587-T-G. GRCh37 (hg19) VCF-style: chr17-78081386-T-G.
Other names: c.723T>G, p.Phe241Leu (NM_001079803.3, NM_001079804.3); short protein forms F241L.
Identifiers: ClinVar variation 1025310 (VCV001025310.14), dbSNP rs1160112655, ClinGen allele CA401363149.